The following is an entry in ClinVar:

NM_001365536.1(SCN9A):c.3427G>T (p.Ala1143Ser)

Genes: SCN9A (sodium voltage-gated channel alpha subunit 9; minus strand), SCN1A-AS1 (SCN1A and SCN9A antisense RNA 1; plus strand). Cytogenetic location: 2q24.3.
Variant type: single nucleotide variant.
Coding change: c.3427G>T on transcript NM_001365536.1 (MANE Select); coding-DNA position 3427, G replaced by T.
Protein change: p.Ala1143Ser; replaces alanine 1143 with serine.
Molecular consequence: missense variant. On other transcripts: non-coding transcript variant (1).
Genome position (GRCh38, 1-based): chr2:166,251,810, C>A on the plus strand (G>T on the coding strand, the complement: SCN9A is on the minus strand). VCF-style: chr2-166251810-C-A. GRCh37 (hg19) VCF-style: chr2-167108320-C-A.
Other names: c.3394G>T, p.Ala1132Ser (NM_002977.4); short protein forms A1132S, A1143S.
Identifiers: ClinVar variation 2191579 (VCV002191579.5), dbSNP rs999645687, ClinGen allele CA59816507.

ClinVar aggregate classification (germline): Uncertain significance. Review status: criteria provided, multiple submitters, no conflicts (2 of 4 stars). 2 submissions from 2 submitters: Uncertain significance (2). Last evaluated 2025-08-30.

Conditions:
Neuropathy, hereditary sensory and autonomic, type 2A (HSAN2A). Also called: WNK1-Related HSAN2 (HSAN2A); MORVAN DISEASE; NEUROPATHY, CONGENITAL SENSORY; NEUROPATHY, HEREDITARY SENSORY RADICULAR, AUTOSOMAL RECESSIVE; NEUROPATHY, HEREDITARY SENSORY, TYPE IIA; NEUROPATHY, PROGRESSIVE SENSORY, OF CHILDREN. Identifiers: Orphanet 970, MedGen C2752089, MONDO:0024309, OMIM 201300.
Generalized epilepsy with febrile seizures plus, type 7 (GEFSP7). Also called: GEFS+, TYPE 7. Identifiers: Orphanet 36387, MedGen C2751778, MONDO:0013470, OMIM 613863.
Inborn genetic diseases. Identifiers: MedGen C0950123, MeSH D030342.

Allele frequency attached by ClinVar (database versions not stated): gnomAD 0.00001; TOPMed 0.00005.
gnomAD v4.1: 5 of 1,612,594 alleles (0.00031%); highest among the groups gnomAD compares: African/African-American, 0.0067%; no homozygotes.

Submissions (2):

Ambry Genetics
Classification: Uncertain significance for Inborn genetic diseases. Last evaluated: 2025-08-30. Review status: criteria provided, single submitter. Criteria: Ambry Variant Classification Scheme 2023. Collection method: clinical testing. Allele origin: germline.

Labcorp Genetics (formerly Invitae), Labcorp
Classification: Uncertain significance for Neuropathy, hereditary sensory and autonomic, type 2A; Generalized epilepsy with febrile seizures plus, type 7. Last evaluated: 2023-01-20. Review status: criteria provided, single submitter. Criteria: Invitae Variant Classification Sherloc (09022015). Collection method: clinical testing. Allele origin: germline.
Comment: Advanced modeling of protein sequence and biophysical properties (such as structural, functional, and spatial information, amino acid conservation, physicochemical variation, residue mobility, and thermodynamic stability) performed at Invitae indicates that this missense variant is not expected to disrupt SCN9A protein function. This variant has not been reported in the literature in individuals affected with SCN9A-related conditions. This variant is present in population databases (no rsID available, gnomAD 0.02%). This sequence change replaces alanine, which is neutral and non-polar, with serine, which is neutral and polar, at codon 1132 of the SCN9A protein (p.Ala1132Ser). In summary, the available evidence is currently insufficient to determine the role of this variant in disease. Therefore, it has been classified as a Variant of Uncertain Significance. This variant disrupts the p.Ala1132 amino acid residue in SCN9A. Other variant(s) that disrupt this residue have been determined to be pathogenic (Invitae). This suggests that this residue is clinically significant, and that variants that disrupt this residue are likely to be disease-causing.